The following is an entry in ClinVar:

NM_001035.3(RYR2):c.10993C>T (p.His3665Tyr)

Gene: RYR2 (ryanodine receptor 2; plus strand). Cytogenetic location: 1q43.
Variant type: single nucleotide variant.
Coding change: c.10993C>T on transcript NM_001035.3 (MANE Select); coding-DNA position 10993, C replaced by T.
Protein change: p.His3665Tyr; replaces histidine 3665 with tyrosine.
Molecular consequence: missense variant.
Genome position (GRCh38, 1-based): chr1:237,732,103, C>T. VCF-style: chr1-237732103-C-T. GRCh37 (hg19) VCF-style: chr1-237895403-C-T.
Other names: short protein forms H3665Y.
Identifiers: ClinVar variation 1693204 (VCV001693204.7), dbSNP rs1374577335, ClinGen allele CA345419029.
Genomic context (GRCh38, chr1:237,732,103, plus strand): 5'-CAGAAACCTGGGGCTGAACCTCCAGAAGAAGATGAAGGCACTAAGAGAGTTGATCCTCTA[C>T]ATCAGCTGATCCTTCTGTTTAGTCGGACAGCTTTAACAGAGAAATGGTATGGTTGGGAGG-3'
Protein context (NP_001026.2, residues 3655-3675): DEGTKRVDPL[His3665Tyr]QLILLFSRTA

ClinVar aggregate classification (germline): Uncertain significance. Review status: criteria provided, multiple submitters, no conflicts (2 of 4 stars). 5 submissions from 5 submitters: Uncertain significance (5). Last evaluated 2025-03-13.

Conditions:
Cardiovascular phenotype. Identifiers: MedGen CN230736.
Arrhythmogenic right ventricular cardiomyopathy (ARVD). Also called: Cardiomyopathy, ARVC; Arrhythmogenic right ventricular dysplasia; Arrhythmogenic cardiomyopathy; Arrhythmogenic Right Ventricular Cardiomyopathy (ARVC). Identifiers: Orphanet 247, MedGen C0349788, MeSH D019571, MONDO:0016587. Disease mechanism: loss of function. Inheritance: Various modes of inheritance.
Catecholaminergic polymorphic ventricular tachycardia (CVPT). Also called: Catecholamine-induced polymorphic ventricular tachycardia. Identifiers: Orphanet 3286, MedGen C5574922, MONDO:0017990.
Cardiomyopathy (CMYO). Also called: Cardiomyopathies. Identifiers: Orphanet 167848, MedGen C0878544, MONDO:0004994, HP:0001638. Inheritance: Various modes of inheritance.

Allele frequency attached by ClinVar (database versions not stated): gnomAD exomes below 0.00001 and 0.00001.
gnomAD v4.1: 8 of 1,611,916 alleles (0.0005%); highest among the groups gnomAD compares: Non-Finnish European, 0.00068%; no homozygotes.

Submissions (5):

GeneDx
Classification: Uncertain significance. Last evaluated: 2025-03-13. Review status: criteria provided, single submitter. Criteria: GeneDx Variant Classification Process June 2021. Collection method: clinical testing. Allele origin: germline. Affected: yes.
Comment: Not observed at significant frequency in large population cohorts (gnomAD); In silico analysis supports that this missense variant has a deleterious effect on protein structure/function; Has not been previously published as pathogenic or benign to our knowledge; Not located in one of the three hot-spot regions of the RYR2 gene, where the majority of pathogenic missense variants occur (PMID: 19926015); This variant is associated with the following publications: (PMID: 19926015)

All of Us Research Program, National Institutes of Health
Classification: Uncertain significance for Catecholaminergic polymorphic ventricular tachycardia. Last evaluated: 2024-06-11. Review status: criteria provided, single submitter. Criteria: ACMG Guidelines, 2015. Collection method: clinical testing. Allele origin: germline. Inheritance: Autosomal dominant inheritance. Observed: 2 variant alleles, 2 heterozygotes.
Comment: This missense variant replaces histidine with tyrosine at codon 3665 of the RYR2 protein. Computational prediction is inconclusive regarding the impact of this variant on protein structure and function (internally defined REVEL score threshold 0.5 < inconclusive < 0.7, PMID: 27666373). To our knowledge, functional studies have not been reported for this variant. This variant has not been reported in individuals affected with cardiovascular disorders in the literature. This variant has been identified in 1/248436 chromosomes in the general population by the Genome Aggregation Database (gnomAD). The available evidence is insufficient to determine the role of this variant in disease conclusively. Therefore, this variant is classified as a Variant of Uncertain Significance.

This study involves interpretation of variants in research participants for the purpose of population health screening. Participant phenotype was not available at the time of variant classification. Additional details can be found in publication PMID: 35346344, PMCID: PMC8962531

Color Diagnostics, LLC DBA Color Health
Classification: Uncertain significance for Cardiomyopathy. Last evaluated: 2024-03-07. Review status: criteria provided, single submitter. Criteria: ACMG Guidelines, 2015. Collection method: clinical testing. Allele origin: germline.
Comment: This missense variant replaces histidine with tyrosine at codon 3665 of the RYR2 protein. Computational prediction is inconclusive regarding the impact of this variant on protein structure and function (internally defined REVEL score threshold 0.5 < inconclusive < 0.7, PMID: 27666373). To our knowledge, functional studies have not been reported for this variant. This variant has not been reported in individuals affected with cardiovascular disorders in the literature. This variant has been identified in 1/248436 chromosomes in the general population by the Genome Aggregation Database (gnomAD). The available evidence is insufficient to determine the role of this variant in disease conclusively. Therefore, this variant is classified as a Variant of Uncertain Significance.

Ambry Genetics
Classification: Uncertain significance for Cardiovascular phenotype. Last evaluated: 2022-08-02. Review status: criteria provided, single submitter. Criteria: Ambry Variant Classification Scheme 2023. Collection method: clinical testing. Allele origin: germline.
Comment: The p.H3665Y variant (also known as c.10993C>T), located in coding exon 78 of the RYR2 gene, results from a C to T substitution at nucleotide position 10993. The histidine at codon 3665 is replaced by tyrosine, an amino acid with similar properties. This amino acid position is highly conserved in available vertebrate species. In addition, this alteration is predicted to be deleterious by in silico analysis. Since supporting evidence is limited at this time, the clinical significance of this alteration remains unclear.

Molecular Genetics Laboratory - Cardiogenetics, CHU de Nantes
Classification: Uncertain significance for Arrhythmogenic right ventricular cardiomyopathy. Last evaluated: 2022-06-01. Review status: criteria provided, single submitter. Criteria: ACMG Guidelines, 2015. Collection method: curation. Allele origin: germline. Affected: yes.